The following is an entry in ClinVar:

NM_000384.3(APOB):c.4246_4251del (p.Asn1416_Thr1417del)

Gene: APOB (apolipoprotein B; minus strand). Cytogenetic location: 2p24.1.
Variant type: Deletion.
Coding change: c.4246_4251del on transcript NM_000384.3 (MANE Select); coding-DNA positions 4246 to 4251, 6 bases deleted (AATACG; older notation c.4246_4251delAATACG).
Protein change: p.Asn1416_Thr1417del.
Molecular consequence: inframe deletion.
Genome position (GRCh38, 1-based): chr2:21,012,617-21,012,622, CGTATT deleted on the plus strand (AATACG on the coding strand, the reverse complement: APOB is on the minus strand); deleting any 6 consecutive bases within chr2:21,012,617-21,012,623 gives the same sequence; the c. name uses the placement nearest the transcript's 3' end. VCF-style (leftmost placement, unchanged base first): chr2-21012616-ACGTATT-A. GRCh37 (hg19) VCF-style: chr2-21235488-ACGTATT-A.
Other names: c.4246_4251delAATACG (NM_000384.3).
Identifiers: ClinVar variation 2691432 (VCV002691432.1), dbSNP rs767878127, ClinGen allele CA060751.

ClinVar aggregate classification (germline): Uncertain significance (1 of 4 stars; one submission).

Submission:

Women's Health and Genetics/Laboratory Corporation of America, LabCorp
Classification: Uncertain significance. Last evaluated: 2023-12-04. Review status: criteria provided, single submitter. Criteria: LabCorp Variant Classification Summary - May 2015. Collection method: clinical testing. Allele origin: germline.
Comment: Variant summary: APOB c.4246_4251delAATACG (p.Asn1416_Thr1417del) results in an in-frame deletion that is predicted to remove 2 amino acids from the encoded protein. The variant allele was found at a frequency of 4e-06 in 249436 control chromosomes. The available data on variant occurrences in the general population are insufficient to allow any conclusion about variant significance. To our knowledge, no occurrence of c.4246_4251delAATACG in individuals affected with Early Onset Coronary Artery Disease and no experimental evidence demonstrating its impact on protein function have been reported. No submitters have cited clinical-significance assessments for this variant to ClinVar after 2014. Based on the evidence outlined above, the variant was classified as uncertain significance.